The following is an entry in ClinVar:

ClinVar aggregate classification (germline): Uncertain significance. Review status: criteria provided, multiple submitters, no conflicts (2 of 4 stars). 5 submissions from 5 submitters: Uncertain significance (5). Last evaluated 2025-01-31.

Conditions:
Arrhythmogenic right ventricular cardiomyopathy (ARVD). Also called: Arrhythmogenic cardiomyopathy; Cardiomyopathy, ARVC; Arrhythmogenic right ventricular dysplasia; Arrhythmogenic Right Ventricular Cardiomyopathy (ARVC). Identifiers: Orphanet 247, MedGen C0349788, MeSH D019571, MONDO:0016587. Disease mechanism: loss of function. Inheritance: Various modes of inheritance.
Cardiomyopathy (CMYO). Also called: Cardiomyopathies. Identifiers: Orphanet 167848, MedGen C0878544, MONDO:0004994, HP:0001638. Inheritance: Various modes of inheritance.
Cardiovascular phenotype. Identifiers: MedGen CN230736.
Arrhythmogenic right ventricular dysplasia 9 (ARVD9). Also called: Arrhythmogenic Right Ventricular Dysplasia/Cardiomyopathy 9; ARRHYTHMOGENIC RIGHT VENTRICULAR DYSPLASIA, FAMILIAL, 9. Identifiers: MedGen C1836906, MONDO:0012180, OMIM 609040.

Allele frequency attached by ClinVar (database versions not stated): gnomAD exomes below 0.00001; TOPMed 0.00001.
gnomAD v4.1: 1 of 1,614,140 alleles (0.000062%); highest among the groups gnomAD compares: Admixed American, 0.0017%; no homozygotes.

Submissions (5):

GeneDx
Classification: Uncertain significance. Last evaluated: 2025-01-31. Review status: criteria provided, single submitter. Criteria: GeneDx Variant Classification Process June 2021. Collection method: clinical testing. Allele origin: germline. Affected: yes.
Comment: Not observed at significant frequency in large population cohorts (gnomAD); In silico analysis supports that this missense variant has a deleterious effect on protein structure/function; Has not been previously published as pathogenic or benign to our knowledge

Color Diagnostics, LLC DBA Color Health
Classification: Uncertain significance for Cardiomyopathy. Last evaluated: 2024-03-06. Review status: criteria provided, single submitter. Criteria: ACMG Guidelines, 2015. Collection method: clinical testing. Allele origin: germline.
Comment: This missense variant replaces alanine with threonine at codon 705 of the PKP2 protein. Computational prediction suggests that this variant may not impact protein structure and function (internally defined REVEL score threshold <= 0.5, PMID: 27666373). To our knowledge, functional studies have not been reported for this variant. This variant has not been reported in individuals affected with cardiovascular disorders in the literature. This variant has been identified in 1/251426 chromosomes in the general population by the Genome Aggregation Database (gnomAD). The available evidence is insufficient to determine the role of this variant in disease conclusively. Therefore, this variant is classified as a Variant of Uncertain Significance.

Ambry Genetics
Classification: Uncertain significance for Cardiovascular phenotype. Last evaluated: 2023-08-11. Review status: criteria provided, single submitter. Criteria: Ambry Variant Classification Scheme 2023. Collection method: clinical testing. Allele origin: germline.
Comment: The p.A705T variant (also known as c.2113G>A), located in coding exon 10 of the PKP2 gene, results from a G to A substitution at nucleotide position 2113. The alanine at codon 705 is replaced by threonine, an amino acid with similar properties. This amino acid position is conserved. In addition, the in silico prediction for this alteration is inconclusive. Since supporting evidence is limited at this time, the clinical significance of this alteration remains unclear.

All of Us Research Program, National Institutes of Health
Classification: Uncertain significance for Arrhythmogenic right ventricular cardiomyopathy. Last evaluated: 2023-06-08. Review status: criteria provided, single submitter. Criteria: ACMG Guidelines, 2015. Collection method: clinical testing. Allele origin: germline. Inheritance: Autosomal dominant inheritance. Observed: 1 variant allele, 1 heterozygote.
Comment: This missense variant replaces alanine with threonine at codon 705 of the PKP2 protein. Computational prediction suggests that this variant may not impact protein structure and function (internally defined REVEL score threshold <= 0.5, PMID: 27666373). To our knowledge, functional studies have not been reported for this variant. This variant has not been reported in individuals affected with cardiovascular disorders in the literature. This variant has been identified in 1/251426 chromosomes in the general population by the Genome Aggregation Database (gnomAD). The available evidence is insufficient to determine the role of this variant in disease conclusively. Therefore, this variant is classified as a Variant of Uncertain Significance.

This study involves interpretation of variants in research participants for the purpose of population health screening. Participant phenotype was not available at the time of variant classification. Additional details can be found in publication PMID: 35346344, PMCID: PMC8962531

Labcorp Genetics (formerly Invitae), Labcorp
Classification: Uncertain significance for Arrhythmogenic right ventricular dysplasia 9. Last evaluated: 2021-10-31. Review status: criteria provided, single submitter. Criteria: Invitae Variant Classification Sherloc (09022015). Collection method: clinical testing. Allele origin: germline.
Comment: In summary, the available evidence is currently insufficient to determine the role of this variant in disease. Therefore, it has been classified as a Variant of Uncertain Significance. Algorithms developed to predict the effect of missense changes on protein structure and function are either unavailable or do not agree on the potential impact of this missense change (SIFT: "Tolerated"; PolyPhen-2: "Probably Damaging"; Align-GVGD: "Class C0"). ClinVar contains an entry for this variant (Variation ID: 923193). This variant has not been reported in the literature in individuals affected with PKP2-related conditions. This variant is present in population databases (no rsID available, gnomAD 0.003%). This sequence change replaces alanine, which is neutral and non-polar, with threonine, which is neutral and polar, at codon 705 of the PKP2 protein (p.Ala705Thr).

NM_001005242.3(PKP2):c.1981G>A (p.Ala661Thr)

Gene: PKP2 (plakophilin 2; minus strand). Cytogenetic location: 12p11.21.
Variant type: single nucleotide variant.
Coding change: c.1981G>A on transcript NM_001005242.3 (MANE Select); coding-DNA position 1981, G replaced by A.
Protein change: p.Ala661Thr; replaces alanine 661 with threonine.
Molecular consequence: missense variant.
Genome position (GRCh38, 1-based): chr12:32,821,388, C>T on the plus strand (G>A on the coding strand, the complement: PKP2 is on the minus strand). VCF-style: chr12-32821388-C-T. GRCh37 (hg19) VCF-style: chr12-32974322-C-T.
Other names: c.2113G>A, p.Ala705Thr (NM_004572.4); short protein forms A661T, A705T.
Identifiers: ClinVar variation 923193 (VCV000923193.14), dbSNP rs1199864691, ClinGen allele CA384361633.